The following is an entry in ClinVar:

NM_000687.4(AHCY):c.263C>T (p.Ala88Val)

Gene: AHCY (adenosylhomocysteinase; minus strand). Cytogenetic location: 20q11.22.
Variant type: single nucleotide variant.
Coding change: c.263C>T on transcript NM_000687.4 (MANE Select); coding-DNA position 263, C replaced by T.
Protein change: p.Ala88Val; replaces alanine 88 with valine.
Molecular consequence: missense variant.
Genome position (GRCh38, 1-based): chr20:34,294,113, G>A on the plus strand (C>T on the coding strand, the complement: AHCY is on the minus strand). VCF-style: chr20-34294113-G-A. GRCh37 (hg19) VCF-style: chr20-32881919-G-A.
Other names: c.179C>T, p.Ala60Val (NM_001161766.2, NM_001322084.2, NM_001322085.2); c.269C>T, p.Ala90Val (NM_001322086.2); c.263C>T, p.Ala88Val (NM_001362750.2); short protein forms A60V, A90V, A88V.
Identifiers: ClinVar variation 2189677 (VCV002189677.2), dbSNP rs748278715, ClinGen allele CA9821067.

ClinVar aggregate classification (germline): Uncertain significance (1 of 4 stars; one submission).

Conditions:
Hypermethioninemia with deficiency of S-adenosylhomocysteine hydrolase. Identifiers: Orphanet 88618, MedGen C3151058, MONDO:0013404, OMIM 613752.

Allele frequency attached by ClinVar (database versions not stated): gnomAD 0.00001; TOPMed 0.00001.
gnomAD v4.1: 29 of 1,613,854 alleles (0.0018%); highest among the groups gnomAD compares: Non-Finnish European, 0.0022%; no homozygotes.

Submission:

Labcorp Genetics (formerly Invitae), Labcorp
Classification: Uncertain significance for Hypermethioninemia with deficiency of S-adenosylhomocysteine hydrolase. Last evaluated: 2022-04-11. Review status: criteria provided, single submitter. Criteria: Invitae Variant Classification Sherloc (09022015). Collection method: clinical testing. Allele origin: germline.
Comment: This sequence change replaces alanine, which is neutral and non-polar, with valine, which is neutral and non-polar, at codon 88 of the AHCY protein (p.Ala88Val). This variant is present in population databases (rs748278715, gnomAD 0.003%). This variant has not been reported in the literature in individuals affected with AHCY-related conditions. Algorithms developed to predict the effect of missense changes on protein structure and function are either unavailable or do not agree on the potential impact of this missense change (SIFT: "Not Available"; PolyPhen-2: "Possibly Damaging"; Align-GVGD: "Not Available"). In summary, the available evidence is currently insufficient to determine the role of this variant in disease. Therefore, it has been classified as a Variant of Uncertain Significance.